The following is an entry in ClinVar:

ClinVar aggregate classification (germline): Pathogenic (1 of 4 stars; one submission).

Conditions:
Cornelia de Lange syndrome 1 (CDLS1). Also called: Brachmann de Lange syndrome; TYPUS DEGENERATIVUS AMSTELODAMENSIS; NIPBL-Related Cornelia de Lange Syndrome. Identifiers: Orphanet 199, MedGen C4551851, MONDO:0007387, OMIM 122470.

Submission:

Labcorp Genetics (formerly Invitae), Labcorp
Classification: Pathogenic for Cornelia de Lange syndrome 1. Last evaluated: 2022-02-11. Review status: criteria provided, single submitter. Criteria: Invitae Variant Classification Sherloc (09022015). Collection method: clinical testing. Allele origin: germline.
Comment: For these reasons, this variant has been classified as Pathogenic. This variant has not been reported in the literature in individuals affected with NIPBL-related conditions. This variant is a gross deletion of the genomic region encompassing exon(s) 33 of the NIPBL gene. This deletion is out-of-frame, and is expected to create a premature termination codon and result in an absent or disrupted protein product. Loss-of-function variants in NIPBL are known to be pathogenic (PMID: 15318302, 19763162, 23505322, 29995837).

Literature cited by the submitters: PubMed 15318302; PubMed 19763162; PubMed 23505322; PubMed 29995837.

NC_000005.9:g.(?_37036461)_(37036609_?)del

Gene: NIPBL (NIPBL cohesin loading factor; plus strand). Cytogenetic location: 5p13.2.
Variant type: Deletion.
Identifiers: ClinVar variation 2427212 (VCV002427212.3).